The following is an entry in ClinVar:

ClinVar aggregate classification (germline): Conflicting classifications of pathogenicity. Review status: criteria provided, conflicting classifications (1 of 4 stars). 2 submissions from 2 submitters: Uncertain significance (1); Likely benign (1). Last evaluated 2025-11-03.

Conditions:
Hereditary breast ovarian cancer syndrome. Also called: Hereditary breast and ovarian cancer syndrome; BRCA1- and BRCA2-Associated Hereditary Breast and Ovarian Cancer; Hereditary breast and/or ovarian cancer syndrome; Hereditary breast and ovarian cancer; Hereditary breast and ovarian cancer syndrome (HBOC); Breast and ovarian cancer. Identifiers: Orphanet 145, MedGen C0677776, MeSH D061325, MONDO:0003582. Disease mechanism: loss of function.
Hereditary cancer-predisposing syndrome. Also called: Neoplastic Syndromes, Hereditary; Hereditary Cancer Syndrome; Tumor predisposition; Hereditary neoplastic syndrome. Identifiers: Orphanet 140162, MedGen C0027672, MeSH D009386, MONDO:0015356.

Submissions (2):

Labcorp Genetics (formerly Invitae), Labcorp
Classification: Uncertain significance for Hereditary breast ovarian cancer syndrome. Last evaluated: 2025-11-03. Review status: criteria provided, single submitter. Criteria: Invitae Variant Classification Sherloc (09022015). Collection method: clinical testing. Allele origin: germline.
Comment: This sequence change replaces glutamine, which is neutral and polar, with arginine, which is basic and polar, at codon 1281 of the BRCA1 protein (p.Gln1281Arg). This variant is not present in population databases (gnomAD no frequency). This variant has not been reported in the literature in individuals affected with BRCA1-related conditions. ClinVar contains an entry for this variant (Variation ID: 852100). Invitae Evidence Modeling of protein sequence and biophysical properties (such as structural, functional, and spatial information, amino acid conservation, physicochemical variation, residue mobility, and thermodynamic stability) indicates that this missense variant is not expected to disrupt BRCA1 protein function with a negative predictive value of 80%. In summary, the available evidence is currently insufficient to determine the role of this variant in disease. Therefore, it has been classified as a Variant of Uncertain Significance.

University of Washington Department of Laboratory Medicine, University of Washington
Classification: Likely benign for Hereditary cancer-predisposing syndrome. Last evaluated: 2023-03-23. Review status: criteria provided, single submitter. Criteria: Dines et al. (Genet Med. 2020). Collection method: curation. Allele origin: germline.
Comment: Missense variant in a coldspot region where missense variants are very unlikely to be pathogenic (PMID:31911673).

BRCA1 coldspot (exon 11 using historical exon numbering). Reclassification based on statistical prior probability

NM_007294.4(BRCA1):c.3842A>G (p.Gln1281Arg)

Genes: BRCA1 (BRCA1 DNA repair associated; minus strand), LOC126862571 (BRD4-independent group 4 enhancer GRCh37_chr17:41243136-41244335; plus strand). Cytogenetic location: 17q21.31.
Variant type: single nucleotide variant.
Coding change: c.3842A>G on transcript NM_007294.4 (MANE Select); coding-DNA position 3842, A replaced by G.
Protein change: p.Gln1281Arg; replaces glutamine 1281 with arginine.
Molecular consequence: missense variant. On other transcripts: intron variant (135).
Genome position (GRCh38, 1-based): chr17:43,091,689, T>C on the plus strand (A>G on the coding strand, the complement: BRCA1 is on the minus strand). VCF-style: chr17-43091689-T-C. GRCh37 (hg19) VCF-style: chr17-41243706-T-C.
Other names: c.3629A>G, p.Gln1210Arg (NM_001407571.1, NM_001407853.1, NM_001407894.1 and 9 more transcripts); c.3842A>G, p.Gln1281Arg (NM_001407581.1, NM_001407582.1, NM_001407583.1 and 30 more transcripts); c.3839A>G, p.Gln1280Arg (NM_001407587.1, NM_001407590.1, NM_001407591.1 and 22 more transcripts); c.3833A>G, p.Gln1278Arg (NM_001407646.1, NM_001407647.1); c.3719A>G, p.Gln1240Arg (NM_001407648.1, NM_001407664.1, NM_001407665.1 and 19 more transcripts); c.3716A>G, p.Gln1239Arg (NM_001407649.1, NM_001407670.1, NM_001407671.1 and 11 more transcripts); c.3764A>G, p.Gln1255Arg (NM_001407653.1, NM_001407654.1, NM_001407655.1 and 4 more transcripts); c.3761A>G, p.Gln1254Arg (NM_001407659.1, NM_001407660.1, NM_001407661.1 and 1 more transcripts); and 41 more; short protein forms Q1281R, Q1234R, Q1210R, Q1233R, Q1240R, Q1255R, Q1154R, Q1170R.
Identifiers: ClinVar variation 852100 (VCV000852100.13), dbSNP rs80357483, ClinGen allele CA10594283.
Genomic context (GRCh38, chr17:43,091,689, plus strand): 5'-CTGCACTGTGAAGAAAACAAGCTAGCAGAACATTTTGTTTCCTCACTAAGGTGATGTTCC[T>C]GAGATGCCTTTGCCAATATTACCTGGTTACTGCAGTCATTTAAGCTATTCTTCAATGATA-3'
Protein context (NP_009225.1, residues 1271-1291): SNQVILAKAS[Gln1281Arg]EHHLSEETKC